The following is an entry in ClinVar:

ClinVar aggregate classification (germline): Uncertain significance (1 of 4 stars; one submission).

Conditions:
Acute myeloid leukemia (AML). Also called: Acute myeloid leukemia, adult; AML adult; Acute non-lymphocytic leukemia; Acute granulocytic leukemia; Leukemia, acute myeloid, somatic; Leukemia, acute myelogenous, somatic. Identifiers: Orphanet 519, MedGen C0023467, MeSH D015470, MONDO:0018874, OMIM 601626, HP:0004808. Disease mechanism: Constitutively activated FLT3.

Submission:

Labcorp Genetics (formerly Invitae), Labcorp
Classification: Uncertain significance for Acute myeloid leukemia. Last evaluated: 2023-02-01. Review status: criteria provided, single submitter. Criteria: Invitae Variant Classification Sherloc (09022015). Collection method: clinical testing. Allele origin: germline.
Comment: This sequence change affects codon 358 of the CEBPA mRNA. It is a 'silent' change, meaning that it does not change the encoded amino acid sequence of the CEBPA protein. This variant is not present in population databases (gnomAD no frequency). This variant has not been reported in the literature in individuals affected with CEBPA-related conditions. In summary, the available evidence is currently insufficient to determine the role of this variant in disease. Therefore, it has been classified as a Variant of Uncertain Significance.

NM_004364.5(CEBPA):c.1074G>A (p.Ala358=)

Gene: CEBPA (CCAAT enhancer binding protein alpha; minus strand). Cytogenetic location: 19q13.11.
Variant type: single nucleotide variant.
Coding change: c.1074G>A on transcript NM_004364.5 (MANE Select); coding-DNA position 1074, G replaced by A.
Protein change: p.Ala358=; no amino-acid change (alanine 358 retained).
Molecular consequence: synonymous variant.
Genome position (GRCh38, 1-based): chr19:33,301,341, C>T on the plus strand (G>A on the coding strand, the complement: CEBPA is on the minus strand). VCF-style: chr19-33301341-C-T. GRCh37 (hg19) VCF-style: chr19-33792247-C-T.
Other names: c.717G>A, p.Ala239= (NM_001285829.2); c.1179G>A, p.Ala393= (NM_001287424.2); c.1032G>A, p.Ala344= (NM_001287435.2).
Identifiers: ClinVar variation 2833375 (VCV002833375.3), dbSNP rs2145257987, ClinGen allele CA507006918.
Genomic context (GRCh38, chr19:33,301,341, plus strand): 5'-ACCACTCCCTGGGTCCCCGCCGGAGGCTGGCCCAGGGCGGTCCCACAGCCGCGCGCCTCA[C>T]GCGCAGTTGCCCATGGCCTTGACCAAGGAGCTCTCTGGCAGCTGGCGGAAGATGCCCCGC-3'
Protein context (NP_004355.2, residues 348-358): SSLVKAMGNC[Ala358=]